The following is an entry in ClinVar:

ClinVar aggregate classification (germline): Uncertain significance (1 of 4 stars; one submission).

Conditions:
HSD3B7-related disorder. Also called: HSD3B7-related condition.

gnomAD v4.1: 15 of 1,613,760 alleles (0.00093%); highest among the groups gnomAD compares: East Asian, 0.0022%; no homozygotes.

Submission:

PreventionGenetics, part of Exact Sciences
Classification: Uncertain significance for HSD3B7-related condition. Last evaluated: 2025-09-23. Review status: criteria provided, single submitter. Criteria: ACMG Guidelines, 2015. Collection method: clinical testing. Allele origin: germline.
Comment: The HSD3B7 c.619C>T variant is predicted to result in the amino acid substitution p.Arg207Cys. To our knowledge, this variant has not been reported in the literature. This variant is reported in 0.010% of alleles in individuals of East Asian descent in gnomAD. At this time, the clinical significance of this variant is uncertain due to the absence of conclusive functional and genetic evidence.

NM_025193.4(HSD3B7):c.619C>T (p.Arg207Cys)

Gene: HSD3B7 (hydroxy-delta-5-steroid dehydrogenase, 3 beta- and steroid delta-isomerase 7; plus strand). Cytogenetic location: 16p11.2.
Variant type: single nucleotide variant.
Coding change: c.619C>T on transcript NM_025193.4 (MANE Select); coding-DNA position 619, C replaced by T.
Protein change: p.Arg207Cys; replaces arginine 207 with cysteine.
Molecular consequence: missense variant. On other transcripts: intron variant (2).
Genome position (GRCh38, 1-based): chr16:30,986,927, C>T. VCF-style: chr16-30986927-C-T. GRCh37 (hg19) VCF-style: chr16-30998248-C-T.
Other names: c.531+223C>T (NM_001142777.2, NM_001142778.2); short protein forms R207C.
Identifiers: ClinVar variation 4987905 (VCV004987905.1).